The following is an entry in ClinVar:

ClinVar aggregate classification (germline): Uncertain significance (1 of 4 stars; one submission).

Allele frequency attached by ClinVar (database versions not stated): gnomAD exomes below 0.00001; TOPMed below 0.00001; ExAC 0.00001; gnomAD 0.00002.
gnomAD v4.1: 4 of 1,613,888 alleles (0.00025%); highest among the groups gnomAD compares: African/African-American, 0.0027%; no homozygotes.

Submission:

Labcorp Genetics (formerly Invitae), Labcorp
Classification: Uncertain significance. Last evaluated: 2022-02-01. Review status: criteria provided, single submitter. Criteria: Invitae Variant Classification Sherloc (09022015). Collection method: clinical testing. Allele origin: germline.
Comment: In summary, the available evidence is currently insufficient to determine the role of this variant in disease. Therefore, it has been classified as a Variant of Uncertain Significance. Algorithms developed to predict the effect of missense changes on protein structure and function output the following: SIFT: "Deleterious"; PolyPhen-2: "Benign"; Align-GVGD: "Class C0". The leucine amino acid residue is found in multiple mammalian species, which suggests that this missense change does not adversely affect protein function. This variant has not been reported in the literature in individuals affected with USH2A-related conditions. This variant is present in population databases (rs779729892, gnomAD 0.0009%). This sequence change replaces valine, which is neutral and non-polar, with leucine, which is neutral and non-polar, at codon 3502 of the USH2A protein (p.Val3502Leu).

NM_206933.4(USH2A):c.10504G>C (p.Val3502Leu)

Gene: USH2A (usherin; minus strand). Cytogenetic location: 1q41.
Variant type: single nucleotide variant.
Coding change: c.10504G>C on transcript NM_206933.4 (MANE Select); coding-DNA position 10504, G replaced by C.
Protein change: p.Val3502Leu; replaces valine 3502 with leucine.
Molecular consequence: missense variant.
Genome position (GRCh38, 1-based): chr1:215,782,819, C>G on the plus strand (G>C on the coding strand, the complement: USH2A is on the minus strand). VCF-style: chr1-215782819-C-G. GRCh37 (hg19) VCF-style: chr1-215956161-C-G.
Other names: short protein forms V3502L.
Identifiers: ClinVar variation 2185281 (VCV002185281.4), dbSNP rs779729892, ClinGen allele CA1394000.